The following is an entry in ClinVar:

ClinVar aggregate classification (germline): Uncertain significance. Review status: criteria provided, multiple submitters, no conflicts (2 of 4 stars). 2 submissions from 2 submitters: Uncertain significance (2). Last evaluated 2025-01-21.

Conditions:
Inborn genetic diseases. Identifiers: MedGen C0950123, MeSH D030342.

Allele frequency attached by ClinVar (database versions not stated): TOPMed 0.00001.
gnomAD v4.1: 14 of 1,613,222 alleles (0.00087%); highest among the groups gnomAD compares: Non-Finnish European, 0.001%; no homozygotes.

Submissions (2):

Ambry Genetics
Classification: Uncertain significance for Inborn genetic diseases. Last evaluated: 2025-01-21. Review status: criteria provided, single submitter. Criteria: Ambry Variant Classification Scheme 2023. Collection method: clinical testing. Allele origin: germline.

GeneDx
Classification: Uncertain significance. Last evaluated: 2019-09-24. Review status: criteria provided, single submitter. Criteria: GeneDx Variant Classification Process June 2021. Collection method: clinical testing. Allele origin: germline. Affected: yes.
Comment: Has not been previously published as pathogenic or benign to our knowledge; Not observed in large population cohorts (Lek et al., 2016); In silico analysis, which includes protein predictors and evolutionary conservation, supports a deleterious effect; Missense variant in a gene in which most reported pathogenic variants are truncating/loss-of-function

NM_018136.5(ASPM):c.9825C>A (p.His3275Gln)

Gene: ASPM (assembly factor for spindle microtubules; minus strand). Cytogenetic location: 1q31.3.
Variant type: single nucleotide variant.
Coding change: c.9825C>A on transcript NM_018136.5 (MANE Select); coding-DNA position 9825, C replaced by A.
Protein change: p.His3275Gln; replaces histidine 3275 with glutamine.
Molecular consequence: missense variant.
Genome position (GRCh38, 1-based): chr1:197,090,200, G>T on the plus strand (C>A on the coding strand, the complement: ASPM is on the minus strand). VCF-style: chr1-197090200-G-T. GRCh37 (hg19) VCF-style: chr1-197059330-G-T.
Other names: c.5070C>A, p.His1690Gln (NM_001206846.2); short protein forms H1690Q, H3275Q.
Identifiers: ClinVar variation 1303568 (VCV001303568.3), dbSNP rs1443343127, ClinGen allele CA344001504.